The following is an entry in ClinVar:

ClinVar aggregate classification (germline): Uncertain significance (1 of 4 stars; one submission).

Conditions:
Hypertrophic cardiomyopathy 26. Also called: Cardiomyopathy, familial hypertrophic, 26. Identifiers: Orphanet 75249, MedGen C4310749, MONDO:0014883, OMIM 617047.
Myofibrillar myopathy 5. Also called: Filaminopathy (type); FILAMINOPATHY, AUTOSOMAL DOMINANT. Identifiers: Orphanet 171445, MedGen C1836050, MONDO:0012289, OMIM 609524.
Distal myopathy with posterior leg and anterior hand involvement. Also called: WILLIAMS DISTAL MYOPATHY. Identifiers: Orphanet 63273, MedGen C3279722, MONDO:0013550, OMIM 614065.

Submission:

Labcorp Genetics (formerly Invitae), Labcorp
Classification: Uncertain significance for Distal myopathy with posterior leg and anterior hand involvement; Myofibrillar myopathy 5; Hypertrophic cardiomyopathy 26. Last evaluated: 2024-03-04. Review status: criteria provided, single submitter. Criteria: Invitae Variant Classification Sherloc (09022015). Collection method: clinical testing. Allele origin: germline.
Comment: This sequence change replaces cysteine, which is neutral and slightly polar, with glycine, which is neutral and non-polar, at codon 1117 of the FLNC protein (p.Cys1117Gly). This variant is not present in population databases (gnomAD no frequency). This variant has not been reported in the literature in individuals affected with FLNC-related conditions. Advanced modeling of protein sequence and biophysical properties (such as structural, functional, and spatial information, amino acid conservation, physicochemical variation, residue mobility, and thermodynamic stability) has been performed at Invitae for this missense variant, however the output from this modeling did not meet the statistical confidence thresholds required to predict the impact of this variant on FLNC protein function. In summary, the available evidence is currently insufficient to determine the role of this variant in disease. Therefore, it has been classified as a Variant of Uncertain Significance.

NM_001458.5(FLNC):c.3349T>G (p.Cys1117Gly)

Gene: FLNC (filamin C; plus strand). Cytogenetic location: 7q32.1.
Variant type: single nucleotide variant.
Coding change: c.3349T>G on transcript NM_001458.5 (MANE Select); coding-DNA position 3349, T replaced by G.
Protein change: p.Cys1117Gly; replaces cysteine 1117 with glycine.
Molecular consequence: missense variant.
Genome position (GRCh38, 1-based): chr7:128,844,814, T>G. VCF-style: chr7-128844814-T-G. GRCh37 (hg19) VCF-style: chr7-128484868-T-G.
Other names: c.3349T>G, p.Cys1117Gly (NM_001127487.2); short protein forms C1117G.
Identifiers: ClinVar variation 2928968 (VCV002928968.3), dbSNP rs2536637329, ClinGen allele CA369196578.